The following is an entry in ClinVar:

ClinVar aggregate classification (germline): Uncertain significance. Review status: criteria provided, multiple submitters, no conflicts (2 of 4 stars). 2 submissions from 2 submitters: Uncertain significance (2). Last evaluated 2025-08-26.

Conditions:
Spastic paraplegia. Identifiers: MedGen C0037772, HP:0001258.
Inborn genetic diseases. Identifiers: MedGen C0950123, MeSH D030342.

Allele frequency attached by ClinVar (database versions not stated): ExAC 0.00001; gnomAD 0.00001; gnomAD exomes 0.00001; TOPMed 0.00002.
gnomAD v4.1: 12 of 1,613,140 alleles (0.00074%); highest among the groups gnomAD compares: East Asian, 0.0045%; no homozygotes.

Submissions (2):

Ambry Genetics
Classification: Uncertain significance for Inborn genetic diseases. Last evaluated: 2025-08-26. Review status: criteria provided, single submitter. Criteria: Ambry Variant Classification Scheme 2023. Collection method: clinical testing. Allele origin: germline.

Labcorp Genetics (formerly Invitae), Labcorp
Classification: Uncertain significance for Spastic paraplegia. Last evaluated: 2022-02-28. Review status: criteria provided, single submitter. Criteria: Invitae Variant Classification Sherloc (09022015). Collection method: clinical testing. Allele origin: germline.
Comment: This sequence change replaces methionine, which is neutral and non-polar, with threonine, which is neutral and polar, at codon 498 of the CYP2U1 protein (p.Met498Thr). This variant is present in population databases (rs752917310, gnomAD 0.003%). This variant has not been reported in the literature in individuals affected with CYP2U1-related conditions. Advanced modeling of protein sequence and biophysical properties (such as structural, functional, and spatial information, amino acid conservation, physicochemical variation, residue mobility, and thermodynamic stability) performed at Invitae indicates that this missense variant is not expected to disrupt CYP2U1 protein function. In summary, the available evidence is currently insufficient to determine the role of this variant in disease. Therefore, it has been classified as a Variant of Uncertain Significance.

NM_183075.3(CYP2U1):c.1493T>C (p.Met498Thr)

Gene: CYP2U1 (cytochrome P450 family 2 subfamily U member 1; plus strand). Cytogenetic location: 4q25.
Variant type: single nucleotide variant.
Coding change: c.1493T>C on transcript NM_183075.3 (MANE Select); coding-DNA position 1493, T replaced by C.
Protein change: p.Met498Thr; replaces methionine 498 with threonine.
Molecular consequence: missense variant.
Genome position (GRCh38, 1-based): chr4:107,950,281, T>C. VCF-style: chr4-107950281-T-C. GRCh37 (hg19) VCF-style: chr4-108871437-T-C.
Other names: c.1493T>C (NM_183075.2); short protein forms M498T.
Identifiers: ClinVar variation 2073557 (VCV002073557.2), dbSNP rs752917310, ClinGen allele CA3037218.
Genomic context (GRCh38, chr4:107,950,281, plus strand): 5'-ATTTTTTTCTGATCTCATTTTTAGGGAAGCGGGTGTGTATGGGAGAACAACTGGCAAAGA[T>C]GGAATTATTCCTAATGTTTGTGAGCCTAATGCAGAGTTTCGCATTTGCTTTACCTGAGGA-3'
Protein context (NP_898898.1, residues 488-508): RVCMGEQLAK[Met498Thr]ELFLMFVSLM